The following is an entry in ClinVar:

NM_004360.5(CDH1):c.2056T>G (p.Cys686Gly)

Gene: CDH1 (cadherin 1; plus strand). Cytogenetic location: 16q22.1.
Variant type: single nucleotide variant.
Coding change: c.2056T>G on transcript NM_004360.5 (MANE Select); coding-DNA position 2056, T replaced by G.
Protein change: p.Cys686Gly; replaces cysteine 686 with glycine.
Molecular consequence: missense variant.
Genome position (GRCh38, 1-based): chr16:68,823,518, T>G. VCF-style: chr16-68823518-T-G. GRCh37 (hg19) VCF-style: chr16-68857421-T-G.
Other names: c.2056T>G (LRG_301t1); c.1873T>G, p.Cys625Gly (NM_001317184.2); c.508T>G, p.Cys170Gly (NM_001317185.2); c.91T>G, p.Cys31Gly (NM_001317186.2); short protein forms C686G, C625G, C170G, C31G.
Identifiers: ClinVar variation 489850 (VCV000489850.6), dbSNP rs1555517113, ClinGen allele CA396467760.
Genomic context (GRCh38, chr16:68,823,518, plus strand): 5'-AATCTCAAGCTCATGGATAACCAGAATAAAGACCAAGTGACCACCTTAGAGGTCAGCGTG[T>G]GTGACTGTGAAGGGGCCGCTGGCGTCTGTAGGAAGGCACAGCCTGTCGAAGCAGGATTGC-3'
Protein context (NP_004351.1, residues 676-696): DQVTTLEVSV[Cys686Gly]DCEGAAGVCR

ClinVar aggregate classification (germline): Uncertain significance (1 of 4 stars; one submission).

Conditions:
Hereditary cancer-predisposing syndrome. Also called: Hereditary Cancer Syndrome; Neoplastic Syndromes, Hereditary; Tumor predisposition; Hereditary neoplastic syndrome. Identifiers: Orphanet 140162, MedGen C0027672, MeSH D009386, MONDO:0015356.

Submission:

Color Diagnostics, LLC DBA Color Health
Classification: Uncertain significance for Hereditary cancer-predisposing syndrome. Last evaluated: 2023-12-05. Review status: criteria provided, single submitter. Criteria: ACMG Guidelines, 2015. Collection method: clinical testing. Allele origin: germline.
Comment: This missense variant replaces cysteine with glycine at codon 686 of the CDH1 protein. To our knowledge, functional studies have not been reported for this variant. This variant has not been reported in individuals affected with CDH1-related disorders in the literature. This variant has not been identified in the general population by the Genome Aggregation Database (gnomAD). The available evidence is insufficient to determine the role of this variant in disease conclusively. Therefore, this variant is classified as a Variant of Uncertain Significance.